The following is an entry in ClinVar:

ClinVar aggregate classification (germline): Uncertain significance (1 of 4 stars; one submission).

Conditions:
POLD1-related polyposis and colorectal cancer syndrome (CRCS10). Also called: Colorectal cancer 10; COLORECTAL CANCER, SUSCEPTIBILITY TO, ON CHROMOSOME 19q; Colorectal cancer, susceptibility to, 10. Identifiers: Orphanet 220460, MedGen C2675481, MONDO:0012953, OMIM 612591.

Submission:

Labcorp Genetics (formerly Invitae), Labcorp
Classification: Uncertain significance for POLD1-related polyposis and colorectal cancer syndrome. Last evaluated: 2019-10-15. Review status: criteria provided, single submitter. Criteria: Invitae Variant Classification Sherloc (09022015). Collection method: clinical testing. Allele origin: germline.
Comment: This sequence change replaces isoleucine with threonine at codon 598 of the POLD1 protein (p.Ile598Thr). The isoleucine residue is highly conserved and there is a moderate physicochemical difference between isoleucine and threonine. In summary, the available evidence is currently insufficient to determine the role of this variant in disease. Therefore, it has been classified as a Variant of Uncertain Significance. Algorithms developed to predict the effect of missense changes on protein structure and function (SIFT, PolyPhen-2, Align-GVGD) all suggest that this variant is likely to be disruptive, but these predictions have not been confirmed by published functional studies and their clinical significance is uncertain. This variant has not been reported in the literature in individuals with POLD1-related conditions. This variant is not present in population databases (ExAC no frequency).

NM_002691.4(POLD1):c.1793T>C (p.Ile598Thr)

Gene: POLD1 (DNA polymerase delta 1, catalytic subunit; plus strand). Cytogenetic location: 19q13.33.
Variant type: single nucleotide variant.
Coding change: c.1793T>C on transcript NM_002691.4 (MANE Select); coding-DNA position 1793, T replaced by C.
Protein change: p.Ile598Thr; replaces isoleucine 598 with threonine.
Molecular consequence: missense variant. On other transcripts: non-coding transcript variant (1).
Genome position (GRCh38, 1-based): chr19:50,408,802, T>C. VCF-style: chr19-50408802-T-C. GRCh37 (hg19) VCF-style: chr19-50912059-T-C.
Other names: c.1793T>C, p.Ile598Thr (NM_001256849.1); c.1871T>C, p.Ile624Thr (NM_001308632.1); short protein forms I598T, I624T.
Identifiers: ClinVar variation 966421 (VCV000966421.9), dbSNP rs2038989905, ClinGen allele CA406981964.